The following is an entry in ClinVar:

NM_000268.4(NF2):c.770C>G (p.Pro257Arg)

Gene: NF2 (NF2, moesin-ezrin-radixin like (MERLIN) tumor suppressor; plus strand). Cytogenetic location: 22q12.2.
Variant type: single nucleotide variant.
Coding change: c.770C>G on transcript NM_000268.4 (MANE Select); coding-DNA position 770, C replaced by G.
Protein change: p.Pro257Arg; replaces proline 257 with arginine.
Molecular consequence: missense variant. On other transcripts: non-coding transcript variant (1), intron variant (1).
Genome position (GRCh38, 1-based): chr22:29,661,299, C>G. VCF-style: chr22-29661299-C-G. GRCh37 (hg19) VCF-style: chr22-30057288-C-G.
Other names: c.770C>G, p.Pro257Arg (NM_016418.5, NM_181825.3, NM_181832.3); c.644C>G, p.Pro215Arg (NM_181828.3); c.647C>G, p.Pro216Arg (NM_181829.3); c.521C>G, p.Pro174Arg (NM_181830.3, NM_181831.3); c.447+19014C>G (NM_181833.3); short protein forms P257R, P174R, P215R, P216R.
Identifiers: ClinVar variation 485989 (VCV000485989.17), dbSNP rs753300935, ClinGen allele CA411143999.
Genomic context (GRCh38, chr22:29,661,299, plus strand): 5'-ATGCCCTGGGGCTTCACATTTATGACCCTGAGAACAGACTGACCCCCAAGATCTCCTTCC[C>G]GTGGAATGAAATCCGAAACATCTCGTACAGTGACAAGGAGGTAGGACATGTGTGTACTGC-3'
Protein context (NP_000259.1, residues 247-267): ENRLTPKISF[Pro257Arg]WNEIRNISYS

ClinVar aggregate classification (germline): Uncertain significance. Review status: criteria provided, multiple submitters, no conflicts (2 of 4 stars). 4 submissions from 4 submitters: Uncertain significance (4). Last evaluated 2025-09-10.

Conditions:
Hereditary cancer-predisposing syndrome. Also called: Hereditary neoplastic syndrome; Hereditary Cancer Syndrome; Neoplastic Syndromes, Hereditary; Tumor predisposition. Identifiers: Orphanet 140162, MedGen C0027672, MeSH D009386, MONDO:0015356.
Neurofibromatosis, type 2 (SWNV). Also called: SCHWANNOMATOSIS, VESTIBULAR; BILATERAL ACOUSTIC NEUROFIBROMATOSIS; NF2-Related Schwannomatosis. Identifiers: Orphanet 637, MedGen C0027832, MONDO:0007039, OMIM 101000. Disease mechanism: loss of function.

gnomAD v4.1: 2 of 1,614,204 alleles (0.00012%); highest among the groups gnomAD compares: Non-Finnish European, 0.00017%; no homozygotes.

Submissions (4):

Ambry Genetics
Classification: Uncertain significance for Hereditary cancer-predisposing syndrome. Last evaluated: 2025-09-10. Review status: criteria provided, single submitter. Criteria: Ambry Variant Classification Scheme 2023. Collection method: clinical testing. Allele origin: germline.
Comment: The p.P257R variant (also known as c.770C>G), located in coding exon 8 of the NF2 gene, results from a C to G substitution at nucleotide position 770. The proline at codon 257 is replaced by arginine, an amino acid with dissimilar properties. This amino acid position is highly conserved in available vertebrate species. In addition, this alteration is predicted to be deleterious by in silico analysis. Since supporting evidence is limited at this time, the clinical significance of this alteration remains unclear.

All of Us Research Program, National Institutes of Health
Classification: Uncertain significance for Neurofibromatosis, type 2. Last evaluated: 2023-11-30. Review status: criteria provided, single submitter. Criteria: ACMG Guidelines, 2015. Collection method: clinical testing. Allele origin: germline. Inheritance: Autosomal dominant inheritance. Observed: 1 variant allele, 1 heterozygote.
Comment: This study involves interpretation of variants in research participants for the purpose of population health screening. Participant phenotype was not available at the time of variant classification. Additional details can be found in publication PMID: 35346344, PMCID: PMC8962531

Labcorp Genetics (formerly Invitae), Labcorp
Classification: Uncertain significance for Neurofibromatosis, type 2. Last evaluated: 2022-03-27. Review status: criteria provided, single submitter. Criteria: Invitae Variant Classification Sherloc (09022015). Collection method: clinical testing. Allele origin: germline.
Comment: ClinVar contains an entry for this variant (Variation ID: 485989). This variant has not been reported in the literature in individuals affected with NF2-related conditions. This variant is not present in population databases (gnomAD no frequency). This sequence change replaces proline, which is neutral and non-polar, with arginine, which is basic and polar, at codon 257 of the NF2 protein (p.Pro257Arg). In summary, the available evidence is currently insufficient to determine the role of this variant in disease. Therefore, it has been classified as a Variant of Uncertain Significance. Algorithms developed to predict the effect of missense changes on protein structure and function are either unavailable or do not agree on the potential impact of this missense change (SIFT: "Tolerated"; PolyPhen-2: "Possibly Damaging"; Align-GVGD: "Class C0").

Genome-Nilou Lab
Classification: Uncertain significance for Neurofibromatosis, type 2. Last evaluated: 2021-11-07. Review status: criteria provided, single submitter. Criteria: ACMG Guidelines, 2015. Collection method: clinical testing. Allele origin: germline. Affected: no.